The following is an entry in ClinVar:

NM_000116.5(TAFAZZIN):c.705C>G (p.Ile235Met)

Gene: TAFAZZIN (tafazzin, phospholipid-lysophospholipid transacylase; plus strand). Cytogenetic location: Xq28.
Variant type: single nucleotide variant.
Coding change: c.705C>G on transcript NM_000116.5 (MANE Select); coding-DNA position 705, C replaced by G.
Protein change: p.Ile235Met; replaces isoleucine 235 with methionine.
Molecular consequence: missense variant. On other transcripts: non-coding transcript variant (1).
Genome position (GRCh38, 1-based): chrX:154,420,663, C>G. VCF-style: chrX-154420663-C-G. GRCh37 (hg19) VCF-style: chrX-153649002-C-G.
Other names: c.717C>G, p.Ile239Met (NM_001303465.2); c.669C>G, p.Ile223Met (NM_001410698.1); c.615C>G, p.Ile205Met (NM_181311.4); c.663C>G, p.Ile221Met (NM_181312.4); c.573C>G, p.Ile191Met (NM_181313.4); short protein forms I191M, I205M, I221M, I223M, I235M, I239M.
Identifiers: ClinVar variation 2690921 (VCV002690921.1), dbSNP rs2522996412, ClinGen allele CA415185334.

ClinVar aggregate classification (germline): Uncertain significance (1 of 4 stars; one submission).

Conditions:
3-Methylglutaconic aciduria type 2 (BTHS). Also called: Barth syndrome; CARDIOSKELETAL MYOPATHY WITH NEUTROPENIA AND ABNORMAL MITOCHONDRIA. Identifiers: Orphanet 111, MedGen C0574083, MONDO:0010543, OMIM 302060.

Submission:

Johns Hopkins Genomics, Johns Hopkins University
Classification: Uncertain significance for 3-Methylglutaconic aciduria type 2. Last evaluated: 2023-07-27. Review status: criteria provided, single submitter. Criteria: ACMG Guidelines, 2015. Collection method: clinical testing. Allele origin: germline.
Comment: This TAFAZZIN missense variant is absent from a large population dataset and has not been reported in ClinVar nor the literature, to our knowledge. Two bioinformatic tools queried predict that this substitution would be damaging, and the isoleucine residue at this position is evolutionarily conserved across most of the species assessed. We consider the clinical significance of c.705C>G in TAFAZZIN to be uncertain at this time.

Literature cited by the submitters: PubMed 31647997.